The following is an entry in ClinVar:

ClinVar aggregate classification (germline): Benign (1 of 4 stars; one submission).

Conditions:
Pseudohypoaldosteronism type 2D (PHA2D). Also called: FAMILIAL HYPERKALEMIC HYPERTENSION; PSEUDOHYPOALDOSTERONISM, TYPE IID, AUTOSOMAL DOMINANT OR RECESSIVE; Pseudohypoaldosteronism Type IID. Identifiers: Orphanet 300525, Orphanet 757, MedGen C3469605, MONDO:0013781, OMIM 614495.

Allele frequency attached by ClinVar (database versions not stated): gnomAD 0.00197 and 0.00215; TOPMed 0.00270; 1000 Genomes Project 30x 0.00375; 1000 Genomes Project 0.00399.

Submission:

Illumina Laboratory Services, Illumina
Classification: Benign for Pseudohypoaldosteronism type 2D. Last evaluated: 2018-01-12. Review status: criteria provided, single submitter. Criteria: ICSL Variant Classification Criteria 13 December 2019. Collection method: clinical testing. Allele origin: germline.
Comment: This variant was observed in the ICSL laboratory as part of a predisposition screen in an ostensibly healthy population. It had not been previously curated by ICSL or reported in the Human Gene Mutation Database (HGMD: prior to June 1st, 2018), and was therefore a candidate for classification through an automated scoring system. Utilizing variant allele frequency, disease prevalence and penetrance estimates, and inheritance mode, an automated score was calculated to assess if this variant is too frequent to cause the disease. Based on the score and internal cut-off values, a variant classified as benign is not then subjected to further curation. The score for this variant resulted in a classification of benign for this disease.

NM_017415.3(KLHL3):c.*2267T>A

Gene: KLHL3 (kelch like family member 3; minus strand). Cytogenetic location: 5q31.2.
Variant type: single nucleotide variant.
Coding change: c.*2267T>A on transcript NM_017415.3 (MANE Select); 2267 bases downstream of the stop codon, T replaced by A.
Molecular consequence: 3 prime UTR variant.
Genome position (GRCh38, 1-based): chr5:137,619,831, A>T on the plus strand (T>A on the coding strand, the complement: KLHL3 is on the minus strand). VCF-style: chr5-137619831-A-T. GRCh37 (hg19) VCF-style: chr5-136955520-A-T.
Other names: c.*2267T>A (NM_001257194.1, NM_001257195.2).
Identifiers: ClinVar variation 350952 (VCV000350952.6), dbSNP rs140696146, ClinGen allele CA10619066.